The following is an entry in ClinVar:

NM_002599.5(PDE2A):c.1026G>T (p.Gln342His)

Gene: PDE2A (phosphodiesterase 2A; minus strand). Cytogenetic location: 11q13.4.
Variant type: single nucleotide variant.
Coding change: c.1026G>T on transcript NM_002599.5 (MANE Select); coding-DNA position 1026, G replaced by T.
Protein change: p.Gln342His; replaces glutamine 342 with histidine.
Molecular consequence: missense variant.
Genome position (GRCh38, 1-based): chr11:72,588,828, C>A on the plus strand (G>T on the coding strand, the complement: PDE2A is on the minus strand). VCF-style: chr11-72588828-C-A. GRCh37 (hg19) VCF-style: chr11-72299872-C-A.
Other names: c.1005G>T, p.Gln335His (NM_001143839.4); c.999G>T, p.Gln333His (NM_001146209.3); c.963G>T, p.Gln321His (NM_001243784.2); short protein forms Q321H, Q333H, Q335H, Q342H.
Identifiers: ClinVar variation 1388376 (VCV001388376.6), dbSNP rs2135300363, ClinGen allele CA381762614.

ClinVar aggregate classification (germline): Uncertain significance (1 of 4 stars; one submission).

Submission:

Labcorp Genetics (formerly Invitae), Labcorp
Classification: Uncertain significance. Last evaluated: 2022-08-10. Review status: criteria provided, single submitter. Criteria: Invitae Variant Classification Sherloc (09022015). Collection method: clinical testing. Allele origin: germline.
Comment: This sequence change replaces glutamine, which is neutral and polar, with histidine, which is basic and polar, at codon 342 of the PDE2A protein (p.Gln342His). This variant is not present in population databases (gnomAD no frequency). This variant has not been reported in the literature in individuals affected with PDE2A-related conditions. ClinVar contains an entry for this variant (Variation ID: 1388376). Algorithms developed to predict the effect of missense changes on protein structure and function (SIFT, PolyPhen-2, Align-GVGD) all suggest that this variant is likely to be tolerated. In summary, the available evidence is currently insufficient to determine the role of this variant in disease. Therefore, it has been classified as a Variant of Uncertain Significance.